The following is an entry in ClinVar:

NM_000059.4(BRCA2):c.5073del (p.Lys1691fs)

Gene: BRCA2 (BRCA2 DNA repair associated; plus strand). Cytogenetic location: 13q13.1.
Variant type: Deletion.
Coding change: c.5073del on transcript NM_000059.4 (MANE Select); coding-DNA position 5073, one base deleted (A; older notation c.5073delA).
Protein change: p.Lys1691fs; shifts the reading frame from lysine 1691.
Molecular consequence: frameshift variant.
Genome position (GRCh38, 1-based): chr13:32,339,428, A deleted; the last of 7 consecutive A bases (chr13:32,339,422-32,339,428); deleting any one gives the same sequence. VCF-style (leftmost placement, unchanged base first): chr13-32339421-CA-C. GRCh37 (hg19) VCF-style: chr13-32913558-CA-C.
Other names: 5301delA; c.5073delA (NM_000059.3); short protein forms K1691fs.
Identifiers: ClinVar variation 51762 (VCV000051762.23), dbSNP rs80359479, ClinGen allele CA021210.

ClinVar aggregate classification (germline): Pathogenic. Review status: reviewed by expert panel (3 of 4 stars). 8 submissions from 8 submitters: Pathogenic (1). 7 of the submissions do not count toward it. Last evaluated 2016-09-08.
ClinVar aggregate classification (somatic clinical impact): Tier I - Strong. Review status: no assertion criteria provided (0 of 4 stars). 4 submissions from 1 submitter.

Conditions:
Hereditary cancer-predisposing syndrome. Also called: Neoplastic Syndromes, Hereditary; Tumor predisposition; Hereditary Cancer Syndrome; Hereditary neoplastic syndrome. Identifiers: Orphanet 140162, MedGen C0027672, MeSH D009386, MONDO:0015356.
Hereditary breast ovarian cancer syndrome. Also called: Hereditary breast and/or ovarian cancer syndrome; Hereditary breast and ovarian cancer syndrome; Hereditary breast and ovarian cancer; Hereditary breast and ovarian cancer syndrome (HBOC); Breast and ovarian cancer; BRCA1- and BRCA2-Associated Hereditary Breast and Ovarian Cancer. Identifiers: Orphanet 145, MedGen C0677776, MeSH D061325, MONDO:0003582. Disease mechanism: loss of function.
Breast-ovarian cancer, familial, susceptibility to, 2 (BROVCA2). Also called: BRCA2 Hereditary Breast and Ovarian Cancer. Identifiers: Orphanet 145, MedGen C2675520, MONDO:0012933, OMIM 612555. Disease mechanism: loss of function.
Lung cancer. Also called: Lung cancer, somatic; Malignant tumor of lung. Identifiers: MedGen C0242379, MONDO:0008903, OMIM 211980.
Familial pancreatic carcinoma. Identifiers: Orphanet 1333, MedGen C2931038, MONDO:0015278, OMIM 260350.
Cervical cancer. Also called: Cancer of cervix; Cervix cancer; Cervical cancer, somatic. Identifiers: MedGen C4048328, MONDO:0002974, OMIM 603956, HP:0030079.
Familial cancer of breast. Also called: Hereditary breast cancer; BREAST CANCER, FAMILIAL; hereditary breast carcinoma. Identifiers: Orphanet 227535, MedGen C0346153, MONDO:0016419, OMIM 114480. Disease mechanism: loss of function.

Submissions (12):

Evidence-based Network for the Interpretation of Germline Mutant Alleles (ENIGMA)
Classification: Pathogenic for Breast-ovarian cancer, familial, susceptibility to, 2. Last evaluated: 2016-09-08. Review status: reviewed by expert panel. Criteria: ENIGMA BRCA1/2 Classification Criteria (2015). Collection method: curation. Allele origin: germline.
Comment: Variant allele predicted to encode a truncated non-functional protein.

CeGaT Center for Human Genetics Tuebingen
Classification: Pathogenic. Last evaluated: 2026-07-01. Review status: criteria provided, single submitter. Criteria: CeGaT Center For Human Genetics Tuebingen Variant Classification Criteria Version 2. Collection method: clinical testing. Allele origin: germline. Affected: yes. Observed: 1 variant allele. Not counted in ClinVar's aggregate classification.
Comment: BRCA2: PVS1, PM2, PS4:Supporting

Labcorp Genetics (formerly Invitae), Labcorp
Classification: Pathogenic for Hereditary breast ovarian cancer syndrome. Last evaluated: 2025-08-10. Review status: criteria provided, single submitter. Criteria: Invitae Variant Classification Sherloc (09022015). Collection method: clinical testing. Allele origin: germline. Not counted in ClinVar's aggregate classification.
Comment: This sequence change creates a premature translational stop signal (p.Lys1691Asnfs*15) in the BRCA2 gene. It is expected to result in an absent or disrupted protein product. Loss-of-function variants in BRCA2 are known to be pathogenic (PMID: 20104584). This variant is not present in population databases (gnomAD no frequency). This premature translational stop signal has been observed in individual(s) with breast cancer and/or ovarian cancer (PMID: 30078507, 32029870). ClinVar contains an entry for this variant (Variation ID: 51762). For these reasons, this variant has been classified as Pathogenic.

Ambry Genetics
Classification: Pathogenic for Hereditary cancer-predisposing syndrome. Last evaluated: 2021-11-19. Review status: criteria provided, single submitter. Criteria: Ambry Variant Classification Scheme 2023. Collection method: clinical testing. Allele origin: germline. Not counted in ClinVar's aggregate classification.
Comment: The c.5073delA pathogenic mutation, located in coding exon 10 of the BRCA2 gene, results from a deletion of one nucleotide at nucleotide position 5073, causing a translational frameshift with a predicted alternate stop codon (p.K1691Nfs*15). This alteration was identified in a cohort of Dutch patients with BRCA1/2 mutations (Teixeira N et al. Eur J Hum Genet, 2018 06;26:848-857) as well as in a cohort of Chinese ovarian cancer patients (Li A et al. Gynecol Oncol, 2018 10;151:145-152). In addition to the clinical data presented in the literature, this alteration is expected to result in loss of function by premature protein truncation or nonsense-mediated mRNA decay. As such, this alteration is interpreted as a disease-causing mutation.

GeneDx
Classification: Pathogenic. Last evaluated: 2016-08-08. Review status: criteria provided, single submitter. Criteria: GeneDx Variant Classification (06012015). Collection method: clinical testing. Allele origin: germline. Affected: yes. Not counted in ClinVar's aggregate classification.
Comment: This deletion of one nucleotide in BRCA2 is denoted c.5073delA at the cDNA level and p.Lys1691AsnfsX15 (K1691NfsX15) at the protein level. Using alternate nomenclature, this variant would be defined as BRCA2 5301delA. The normal sequence, with the base that is deleted in braces, is CAAAAAA[A]TGGC. The deletion causes a frameshift which changes a Lysine to an Asparagine at codon 1691, and creates a premature stop codon at position 15 of the new reading frame. Although this variant has not, to our knowledge, been reported in the literature, it is predicted to cause loss of normal protein function through either protein truncation or nonsense-mediated mRNA decay. We consider BRCA2 c.5073delA to be pathogenic.

Clinical Genetics DNA and cytogenetics Diagnostics Lab, Erasmus MC, Erasmus Medical Center
Classification: Pathogenic for Breast-ovarian cancer, familial, susceptibility to, 2. Last evaluated: 2015-09-21. Review status: criteria provided, single submitter. Criteria: ACGS Guidelines, 2013. Collection method: clinical testing. Allele origin: germline. Affected: yes. Study: VKGL Data-share Consensus. Not counted in ClinVar's aggregate classification.

Breast Cancer Information Core (BIC) (BRCA2)
Classification: Pathogenic for Breast-ovarian cancer, familial 2. Last evaluated: 2003-12-23. Review status: no assertion criteria provided. Collection method: clinical testing. Allele origin: germline. Affected: yes. Observed: 1 variant allele. Not counted in ClinVar's aggregate classification.

Diagnostic Laboratory, Department of Genetics, University Medical Center Groningen
Classification: Pathogenic for Breast-ovarian cancer, familial, susceptibility to, 2. Review status: no assertion criteria provided. Collection method: clinical testing. Allele origin: germline. Affected: yes. Study: VKGL Data-share Consensus. Not counted in ClinVar's aggregate classification.

Faculté Pluridciplinaire Nador, Université Mohamed Premier
Classification: Tier I - Strong for Lung cancer. Assertion type: Therapeutic. Clinical significance: sensitivity/response. Review status: no assertion criteria provided. Collection method: research. Allele origin: somatic. Affected: yes.
Comment: The following databases and algorithms are used to annotate and evaluate the impact of the variant in the context of human disease: 1000 genomes, gnomAD, ClinVar, OMIM, dbSNP, NCIB RefSeq Genes, ExAC Gene Constraints, VS-SIFT, VS-PolyPhen2, PhyloP, GERP++, GeneSplicer, MaxEntScan, NNSplice, PWM Splice Predictor. Allele predicted to encode a non-functional protein p.K1691fs*15 (PMID: 37804357 - PMID: 34657357)

Faculté Pluridciplinaire Nador, Université Mohamed Premier
Classification: Tier I - Strong for Familial pancreatic carcinoma. Assertion type: Therapeutic. Clinical significance: sensitivity/response. Review status: no assertion criteria provided. Collection method: research. Allele origin: somatic. Affected: yes.
Comment: the same text as in the submission from Faculté Pluridciplinaire Nador, Université Mohamed Premier above.

Faculté Pluridciplinaire Nador, Université Mohamed Premier
Classification: Tier I - Strong for Familial cancer of breast. Assertion type: Therapeutic. Clinical significance: sensitivity/response. Review status: no assertion criteria provided. Collection method: research. Allele origin: somatic. Affected: yes.
Comment: the same text as in the submission from Faculté Pluridciplinaire Nador, Université Mohamed Premier above.

Faculté Pluridciplinaire Nador, Université Mohamed Premier
Classification: Tier I - Strong for Cervical cancer. Assertion type: Therapeutic. Clinical significance: sensitivity/response. Review status: no assertion criteria provided. Collection method: research. Allele origin: somatic. Affected: yes.
Comment: the same text as in the submission from Faculté Pluridciplinaire Nador, Université Mohamed Premier above.

Literature cited by the submitters: PubMed 20104584 (cited by Labcorp Genetics (formerly Invitae), Labcorp); PubMed 30078507 (cited by Labcorp Genetics (formerly Invitae), Labcorp and Ambry Genetics); PubMed 32029870 (cited by Labcorp Genetics (formerly Invitae), Labcorp); PubMed 29483665 (cited by Ambry Genetics).